The following is an entry in ClinVar:

NM_005257.6(GATA6):c.95C>T (p.Pro32Leu)

Gene: GATA6 (GATA binding protein 6; plus strand). Cytogenetic location: 18q11.2.
Variant type: single nucleotide variant.
Coding change: c.95C>T on transcript NM_005257.6 (MANE Select); coding-DNA position 95, C replaced by T.
Protein change: p.Pro32Leu; replaces proline 32 with leucine.
Molecular consequence: missense variant.
Genome position (GRCh38, 1-based): chr18:22,171,239, C>T. VCF-style: chr18-22171239-C-T. GRCh37 (hg19) VCF-style: chr18-19751200-C-T.
Other names: short protein forms P32L.
Identifiers: ClinVar variation 2084960 (VCV002084960.4), dbSNP rs1473003349, ClinGen allele CA401798626.

ClinVar aggregate classification (germline): Uncertain significance (1 of 4 stars; one submission).

Conditions:
Atrioventricular septal defect 5 (AVSD5). Identifiers: MedGen C3280939, MONDO:0013769, OMIM 614474.

Allele frequency attached by ClinVar (database versions not stated): TOPMed below 0.00001; gnomAD 0.00002.
gnomAD v4.1: 10 of 1,598,866 alleles (0.00063%); highest among the groups gnomAD compares: East Asian, 0.0045%; no homozygotes.

Submission:

Labcorp Genetics (formerly Invitae), Labcorp
Classification: Uncertain significance for Atrioventricular septal defect 5. Last evaluated: 2025-12-15. Review status: criteria provided, single submitter. Criteria: Invitae Variant Classification Sherloc (09022015). Collection method: clinical testing. Allele origin: germline.
Comment: This sequence change replaces proline, which is neutral and non-polar, with leucine, which is neutral and non-polar, at codon 32 of the GATA6 protein (p.Pro32Leu). This variant is present in population databases (no rsID available, gnomAD 0.01%). This variant has not been reported in the literature in individuals affected with GATA6-related conditions. ClinVar contains an entry for this variant (Variation ID: 2084960). An algorithm developed to predict the effect of missense changes on protein structure and function outputs the following: PolyPhen-2: "Benign". The leucine amino acid residue is found in multiple mammalian species, which suggests that this missense change does not adversely affect protein function. In summary, the available evidence is currently insufficient to determine the role of this variant in disease. Therefore, it has been classified as a Variant of Uncertain Significance.